The following is an entry in ClinVar:

NM_024795.4(TM4SF20):c.75C>T (p.Leu25=)

Gene: TM4SF20 (transmembrane 4 L six family member 20; minus strand). Cytogenetic location: 2q36.3.
Variant type: single nucleotide variant.
Coding change: c.75C>T on transcript NM_024795.4 (MANE Select); coding-DNA position 75, C replaced by T.
Protein change: p.Leu25=; no amino-acid change (leucine 25 retained).
Molecular consequence: synonymous variant.
Genome position (GRCh38, 1-based): chr2:227,379,194, G>A on the plus strand (C>T on the coding strand, the complement: TM4SF20 is on the minus strand). VCF-style: chr2-227379194-G-A. GRCh37 (hg19) VCF-style: chr2-228243910-G-A.
Identifiers: ClinVar variation 1169449 (VCV001169449.34), dbSNP rs144149499, ClinGen allele CA2148329.

ClinVar aggregate classification (germline): Benign. Review status: criteria provided, multiple submitters, no conflicts (2 of 4 stars). 3 submissions from 3 submitters: Benign (3). Last evaluated 2026-01-19.

Allele frequency attached by ClinVar (database versions not stated): gnomAD 0.00106 and 0.00117; 1000 Genomes Project 0.00120; TOPMed 0.00121; 1000 Genomes Project 30x 0.00125; gnomAD exomes 0.00141 and 0.00156; ExAC 0.00144; ESP Exome Variant Server 0.00146.
gnomAD v4.1: 2,297 of 1,614,176 alleles (0.14%); highest among the groups gnomAD compares: Middle Eastern, 1.3%; 5 homozygotes.

Submissions (3):

Labcorp Genetics (formerly Invitae), Labcorp
Classification: Benign. Last evaluated: 2026-01-19. Review status: criteria provided, single submitter. Criteria: Invitae Variant Classification Sherloc (09022015). Collection method: clinical testing. Allele origin: germline.

CeGaT Center for Human Genetics Tuebingen
Classification: Benign. Last evaluated: 2022-04-01. Review status: criteria provided, single submitter. Criteria: CeGaT Center For Human Genetics Tuebingen Variant Classification Criteria Version 2. Collection method: clinical testing. Allele origin: germline. Affected: yes. Observed: 1 variant allele.
Comment: TM4SF20: BS1, BS2

Breakthrough Genomics
Classification: Benign. Review status: criteria provided, single submitter. Criteria: ACMG Guidelines, 2015. Collection method: not provided. Allele origin: germline. Inheritance: Autosomal dominant inheritance. Affected: yes.